The following is an entry in ClinVar:

ClinVar aggregate classification (germline): Uncertain significance. Review status: criteria provided, multiple submitters, no conflicts (2 of 4 stars). 2 submissions from 2 submitters: Uncertain significance (2). Last evaluated 2024-04-01.

Conditions:
RYR3-related disorder. Also called: RYR3-related condition.

Allele frequency attached by ClinVar (database versions not stated): ExAC 0.00002; TOPMed 0.00002; gnomAD 0.00005.
gnomAD v4.1: 44 of 1,613,676 alleles (0.0027%); highest among the groups gnomAD compares: African/African-American, 0.0093%; no homozygotes.

Submissions (2):

CeGaT Center for Human Genetics Tuebingen
Classification: Uncertain significance. Last evaluated: 2024-04-01. Review status: criteria provided, single submitter. Criteria: CeGaT Center For Human Genetics Tuebingen Variant Classification Criteria Version 2. Collection method: clinical testing. Allele origin: germline. Affected: yes. Observed: 1 variant allele.

PreventionGenetics, part of Exact Sciences
Classification: Uncertain significance for RYR3-related condition. Last evaluated: 2023-03-13. Review status: criteria provided, single submitter. Criteria: ACMG Guidelines, 2015. Collection method: clinical testing. Allele origin: germline.
Comment: The RYR3 c.1951G>A variant is predicted to result in the amino acid substitution p.Ala651Thr. This variant was reported in an individual with atrioventricular nodal reentry tachycardia (Supplemental Table S2 in Luo et al. 2020. PubMed ID: 32508047). This variant is reported in 0.010% of alleles in individuals of East Asian descent in gnomAD. At this time, the clinical significance of this variant is uncertain due to the absence of conclusive functional and genetic evidence.

NM_001036.6(RYR3):c.1951G>A (p.Ala651Thr)

Gene: RYR3 (ryanodine receptor 3; plus strand). Cytogenetic location: 15q14.
Variant type: single nucleotide variant.
Coding change: c.1951G>A on transcript NM_001036.6 (MANE Select); coding-DNA position 1951, G replaced by A.
Protein change: p.Ala651Thr; replaces alanine 651 with threonine.
Molecular consequence: missense variant.
Genome position (GRCh38, 1-based): chr15:33,603,151, G>A. VCF-style: chr15-33603151-G-A. GRCh37 (hg19) VCF-style: chr15-33895352-G-A.
Other names: c.1951G>A, p.Ala651Thr (NM_001243996.4); short protein forms A651T.
Identifiers: ClinVar variation 2633516 (VCV002633516.21), dbSNP rs764639699, ClinGen allele CA7458305.
Genomic context (GRCh38, chr15:33,603,151, plus strand): 5'-TGTAGATGCCACTTGCCCATGTTTACTTTCAGTATCCGGCCAAACATCTTCCTGGGAGTC[G>A]CGGAGGGCTCAGCCCAGTACAAGAAGTGGTACTTCGAGCTGATTATCGACCAGGTGGACC-3'
Protein context (NP_001027.3, residues 641-661): SIRPNIFLGV[Ala651Thr]EGSAQYKKWY